The following is an entry in ClinVar:

ClinVar aggregate classification (germline): Benign (1 of 4 stars; one submission).

Allele frequency attached by ClinVar (database versions not stated): 1000 Genomes Project 0.38179; 1000 Genomes Project 30x 0.38601; TOPMed 0.51408; gnomAD 0.52006 and 0.52603.
gnomAD v4.1: 79,166 of 151,956 alleles (52%); highest among the groups gnomAD compares: Non-Finnish European, 65%; 22,148 homozygotes.

Submission:

GeneDx
Classification: Benign. Last evaluated: 2018-06-14. Review status: criteria provided, single submitter. Criteria: GeneDx Variant Classification (06012015). Collection method: clinical testing. Allele origin: germline. Affected: yes.
Comment: This variant is considered likely benign or benign based on one or more of the following criteria: it is a conservative change, it occurs at a poorly conserved position in the protein, it is predicted to be benign by multiple in silico algorithms, and/or has population frequency not consistent with disease.

NM_001195518.2(MICU1):c.1072-341T>C

Gene: MICU1 (mitochondrial calcium uptake 1; minus strand). Cytogenetic location: 10q22.1.
Variant type: single nucleotide variant.
Coding change: c.1072-341T>C on transcript NM_001195518.2 (MANE Select); 341 bases into the intron before coding-DNA position 1072, T replaced by C.
Molecular consequence: intron variant.
Genome position (GRCh38, 1-based): chr10:72,408,378, A>G on the plus strand (T>C on the coding strand, the complement: MICU1 is on the minus strand). VCF-style: chr10-72408378-A-G. GRCh37 (hg19) VCF-style: chr10-74168136-A-G.
Other names: c.1078-341T>C (NM_006077.4); c.1090-341T>C (NM_001363513.2); c.478-341T>C (NM_001195519.2).
Identifiers: ClinVar variation 667500 (VCV000667500.1), dbSNP rs1977683, ClinGen allele CA13224008.